The following is an entry in ClinVar:

ClinVar aggregate classification (germline): Conflicting classifications of pathogenicity. Review status: criteria provided, conflicting classifications (1 of 4 stars). 4 submissions from 4 submitters: Uncertain significance (3); Likely benign (1). Last evaluated 2024-06-04.

Conditions:
Hereditary cancer-predisposing syndrome. Also called: Neoplastic Syndromes, Hereditary; Hereditary Cancer Syndrome; Hereditary neoplastic syndrome; Tumor predisposition. Identifiers: Orphanet 140162, MedGen C0027672, MeSH D009386, MONDO:0015356.
Hereditary breast ovarian cancer syndrome. Also called: Hereditary breast and ovarian cancer syndrome (HBOC); BRCA1- and BRCA2-Associated Hereditary Breast and Ovarian Cancer; Hereditary breast and ovarian cancer syndrome; Breast and ovarian cancer; Hereditary breast and/or ovarian cancer syndrome; Hereditary breast and ovarian cancer. Identifiers: Orphanet 145, MedGen C0677776, MeSH D061325, MONDO:0003582. Disease mechanism: loss of function.
Breast-ovarian cancer, familial, susceptibility to, 2 (BROVCA2). Also called: BRCA2 Hereditary Breast and Ovarian Cancer. Identifiers: Orphanet 145, MedGen C2675520, MONDO:0012933, OMIM 612555. Disease mechanism: loss of function.

Submissions (4):

Labcorp Genetics (formerly Invitae), Labcorp
Classification: Uncertain significance for Hereditary breast ovarian cancer syndrome. Last evaluated: 2024-06-04. Review status: criteria provided, single submitter. Criteria: Invitae Variant Classification Sherloc (09022015). Collection method: clinical testing. Allele origin: germline.
Comment: This sequence change replaces threonine, which is neutral and polar, with asparagine, which is neutral and polar, at codon 1410 of the BRCA2 protein (p.Thr1410Asn). This variant is not present in population databases (gnomAD no frequency). This variant has not been reported in the literature in individuals affected with BRCA2-related conditions. ClinVar contains an entry for this variant (Variation ID: 824695). Advanced modeling of protein sequence and biophysical properties (such as structural, functional, and spatial information, amino acid conservation, physicochemical variation, residue mobility, and thermodynamic stability) performed at Invitae indicates that this missense variant is not expected to disrupt BRCA2 protein function with a negative predictive value of 95%. In summary, the available evidence is currently insufficient to determine the role of this variant in disease. Therefore, it has been classified as a Variant of Uncertain Significance.

All of Us Research Program, National Institutes of Health
Classification: Uncertain significance for Breast-ovarian cancer, familial, susceptibility to, 2. Last evaluated: 2023-08-15. Review status: criteria provided, single submitter. Criteria: ACMG Guidelines, 2015. Collection method: clinical testing. Allele origin: germline. Inheritance: Autosomal dominant inheritance. Observed: 1 variant allele, 1 heterozygote.
Comment: This study involves interpretation of variants in research participants for the purpose of population health screening. Participant phenotype was not available at the time of variant classification. Additional details can be found in publication PMID: 35346344, PMCID: PMC8962531

University of Washington Department of Laboratory Medicine, University of Washington
Classification: Likely benign for Hereditary cancer-predisposing syndrome. Last evaluated: 2023-03-23. Review status: criteria provided, single submitter. Criteria: Dines et al. (Genet Med. 2020). Collection method: curation. Allele origin: germline.
Comment: Missense variant in a coldspot region where missense variants are very unlikely to be pathogenic (PMID:31911673).

BRCA2 exon 11 coldspot. Reclassification based on statistical prior probability.

Ambry Genetics
Classification: Uncertain significance for Hereditary cancer-predisposing syndrome. Last evaluated: 2018-04-19. Review status: criteria provided, single submitter. Criteria: Ambry Variant Classification Scheme 2023. Collection method: clinical testing. Allele origin: germline.
Comment: The p.T1410N variant (also known as c.4229C>A), located in coding exon 10 of the BRCA2 gene, results from a C to A substitution at nucleotide position 4229. The threonine at codon 1410 is replaced by asparagine, an amino acid with similar properties. This amino acid position is not well conserved in available vertebrate species. In addition, this alteration is predicted to be tolerated by in silico analysis. Since supporting evidence is limited at this time, the clinical significance of this alteration remains unclear.

NM_000059.4(BRCA2):c.4229C>A (p.Thr1410Asn)

Gene: BRCA2 (BRCA2 DNA repair associated; plus strand). Cytogenetic location: 13q13.1.
Variant type: single nucleotide variant.
Coding change: c.4229C>A on transcript NM_000059.4 (MANE Select); coding-DNA position 4229, C replaced by A.
Protein change: p.Thr1410Asn; replaces threonine 1410 with asparagine.
Molecular consequence: missense variant.
Genome position (GRCh38, 1-based): chr13:32,338,584, C>A. VCF-style: chr13-32338584-C-A. GRCh37 (hg19) VCF-style: chr13-32912721-C-A.
Other names: short protein forms T1410N.
Identifiers: ClinVar variation 824695 (VCV000824695.15), dbSNP rs1593901756, ClinGen allele CA387780344.